The following is an entry in ClinVar:

ClinVar aggregate classification (germline): Uncertain significance. Review status: criteria provided, multiple submitters, no conflicts (2 of 4 stars). 2 submissions from 2 submitters: Uncertain significance (2). Last evaluated 2024-06-14.

Conditions:
Fanconi anemia complementation group P. Also called: SLX4-Related Fanconi Anemia. Identifiers: Orphanet 84, MedGen C3469542, MONDO:0013499, OMIM 613951.
Fanconi anemia (FA). Also called: Fanconi's anemia. Identifiers: Orphanet 84, MedGen C0015625, MeSH D005199, MONDO:0019391.

Allele frequency attached by ClinVar (database versions not stated): gnomAD 0.00003 and 0.00004; TOPMed 0.00003; gnomAD exomes 0.00005; ExAC 0.00006; ESP Exome Variant Server 0.00008.
gnomAD v4.1: 82 of 1,614,060 alleles (0.0051%); highest among the groups gnomAD compares: South Asian, 0.0099%; no homozygotes.

Submissions (2):

Fulgent Genetics
Classification: Uncertain significance for Fanconi anemia complementation group P. Last evaluated: 2024-06-14. Review status: criteria provided, single submitter. Criteria: ACMG Guidelines, 2015. Collection method: clinical testing. Allele origin: germline.

Labcorp Genetics (formerly Invitae), Labcorp
Classification: Uncertain significance for Fanconi anemia. Last evaluated: 2023-12-14. Review status: criteria provided, single submitter. Criteria: Invitae Variant Classification Sherloc (09022015). Collection method: clinical testing. Allele origin: germline.
Comment: This sequence change replaces glutamic acid, which is acidic and polar, with lysine, which is basic and polar, at codon 875 of the SLX4 protein (p.Glu875Lys). This variant is present in population databases (rs372976873, gnomAD 0.06%). This variant has not been reported in the literature in individuals affected with SLX4-related conditions. ClinVar contains an entry for this variant (Variation ID: 999037). An algorithm developed to predict the effect of missense changes on protein structure and function (PolyPhen-2) suggests that this variant is likely to be disruptive. In summary, the available evidence is currently insufficient to determine the role of this variant in disease. Therefore, it has been classified as a Variant of Uncertain Significance.

NM_032444.4(SLX4):c.2623G>A (p.Glu875Lys)

Gene: SLX4 (SLX4 structure-specific endonuclease subunit; minus strand). Cytogenetic location: 16p13.3.
Variant type: single nucleotide variant.
Coding change: c.2623G>A on transcript NM_032444.4 (MANE Select); coding-DNA position 2623, G replaced by A.
Protein change: p.Glu875Lys; replaces glutamic acid 875 with lysine.
Molecular consequence: missense variant.
Genome position (GRCh38, 1-based): chr16:3,591,015, C>T on the plus strand (G>A on the coding strand, the complement: SLX4 is on the minus strand). VCF-style: chr16-3591015-C-T. GRCh37 (hg19) VCF-style: chr16-3641016-C-T.
Other names: short protein forms E875K.
Identifiers: ClinVar variation 999037 (VCV000999037.7), dbSNP rs372976873, ClinGen allele CA7866115.